The following is an entry in ClinVar:

ClinVar aggregate classification (germline): Pathogenic (1 of 4 stars; one submission).

Conditions:
Aniridia 1 (AN1). Identifiers: Orphanet 250923, MedGen C0344542, MONDO:0024507, OMIM 106210.
Irido-corneo-trabecular dysgenesis (ASGD5). Also called: ANTERIOR SEGMENT DYSGENESIS 5. Identifiers: Orphanet 708, MedGen C0344559, MONDO:0011414, OMIM 604229, HP:0000659.

Submission:

Labcorp Genetics (formerly Invitae), Labcorp
Classification: Pathogenic for Aniridia 1; Irido-corneo-trabecular dysgenesis. Last evaluated: 2018-01-04. Review status: criteria provided, single submitter. Criteria: Invitae Variant Classification Sherloc (09022015). Collection method: clinical testing. Allele origin: germline.
Comment: This variant has not been reported in the literature in individuals with PAX6-related disease. This sequence change creates a premature translational stop signal (p.Gln47*) in the PAX6 gene. It is expected to result in an absent or disrupted protein product. This variant is not present in population databases (ExAC no frequency). Loss-of-function variants in PAX6 are known to be pathogenic (PMID: 12634864). For these reasons, this variant has been classified as Pathogenic.

Literature cited by the submitters: PubMed 12634864.

NM_001368894.2(PAX6):c.139C>T (p.Gln47Ter)

Gene: PAX6 (paired box 6; minus strand). Cytogenetic location: 11p13.
Variant type: single nucleotide variant.
Coding change: c.139C>T on transcript NM_001368894.2 (MANE Select); coding-DNA position 139, C replaced by T.
Protein change: p.Gln47Ter; replaces glutamine 47 with a stop codon.
Molecular consequence: nonsense. On other transcripts: 5 prime UTR variant (12), non-coding transcript variant (2), intron variant (2).
Genome position (GRCh38, 1-based): chr11:31,802,706, G>A on the plus strand (C>T on the coding strand, the complement: PAX6 is on the minus strand). VCF-style: chr11-31802706-G-A. GRCh37 (hg19) VCF-style: chr11-31824254-G-A.
Other names: c.139C>T, p.Gln47Ter (NM_000280.6, NM_001127612.3, NM_001258462.3 and 30 more transcripts); c.-643C>T (NM_001310160.2, NM_001368905.2); c.-312C>T (NM_001310161.3, NM_001368900.2, NM_001368903.2 and 2 more transcripts); c.-270C>T (NM_001368899.2, NM_001368901.2, NM_001368906.2 and 1 more transcripts); c.-601C>T (NM_001368902.2); c.382C>T, p.Gln128Ter (NM_001368910.2); c.142C>T, p.Gln48Ter (NM_001368911.2); c.-267-930C>T (NM_001368909.2, NM_001368904.2); short protein forms Q47*, Q48*, Q128*.
Identifiers: ClinVar variation 529892 (VCV000529892.6), dbSNP rs1554985716, ClinGen allele CA379959463.